The following is an entry in ClinVar:

ClinVar aggregate classification (germline): Uncertain significance (1 of 4 stars; one submission).

Conditions:
Immunodeficiency 23 (IMD23). Also called: IMMUNODEFICIENCY WITH HYPER IgE AND COGNITIVE IMPAIRMENT; IMMUNODEFICIENCY-VASCULITIS-MYOCLONUS SYNDROME. Identifiers: Orphanet 443811, MedGen C4014371, MONDO:0014353, OMIM 615816.

Submission:

Labcorp Genetics (formerly Invitae), Labcorp
Classification: Uncertain significance for Immunodeficiency 23. Last evaluated: 2019-04-20. Review status: criteria provided, single submitter. Criteria: Invitae Variant Classification Sherloc (09022015). Collection method: clinical testing. Allele origin: germline.
Comment: This sequence change replaces lysine with arginine at codon 140 of the PGM3 protein (p.Lys140Arg). The lysine residue is moderately conserved and there is a small physicochemical difference between lysine and arginine. This variant is not present in population databases (ExAC no frequency). This variant has not been reported in the literature in individuals with PGM3-related conditions. Algorithms developed to predict the effect of missense changes on protein structure and function output the following: SIFT: "Tolerated"; PolyPhen-2: "Benign"; Align-GVGD: "Class C0". The arginine amino acid residue is found in multiple mammalian species, suggesting that this missense change does not adversely affect protein function. These predictions have not been confirmed by published functional studies and their clinical significance is uncertain. In summary, the available evidence is currently insufficient to determine the role of this variant in disease. Therefore, it has been classified as a Variant of Uncertain Significance.

NM_015599.3(PGM3):c.335A>G (p.Lys112Arg)

Gene: PGM3 (phosphoglucomutase 3; minus strand). Cytogenetic location: 6q14.1.
Variant type: single nucleotide variant.
Coding change: c.335A>G on transcript NM_015599.3 (MANE Select); coding-DNA position 335, A replaced by G.
Protein change: p.Lys112Arg; replaces lysine 112 with arginine.
Molecular consequence: missense variant. On other transcripts: non-coding transcript variant (1).
Genome position (GRCh38, 1-based): chr6:83,188,668, T>C on the plus strand (A>G on the coding strand, the complement: PGM3 is on the minus strand). VCF-style: chr6-83188668-T-C. GRCh37 (hg19) VCF-style: chr6-83898387-T-C.
Other names: c.419A>G, p.Lys140Arg (NM_001199917.2, NM_001367287.1); c.92A>G, p.Lys31Arg (NM_001199918.2); c.335A>G, p.Lys112Arg (NM_001199919.2, NM_001367286.1); short protein forms K31R, K140R, K112R.
Identifiers: ClinVar variation 861673 (VCV000861673.9), dbSNP rs1788799231, ClinGen allele CA364851658.